The following is an entry in ClinVar:

ClinVar aggregate classification (germline): Uncertain significance (1 of 4 stars; one submission).

gnomAD v4.1: 1 of 1,613,862 alleles (0.000062%); highest among the groups gnomAD compares: Non-Finnish European, 0.000085%; no homozygotes.

Submission:

Labcorp Genetics (formerly Invitae), Labcorp
Classification: Uncertain significance. Last evaluated: 2025-06-17. Review status: criteria provided, single submitter. Criteria: Invitae Variant Classification Sherloc (09022015). Collection method: clinical testing. Allele origin: germline.
Comment: This sequence change replaces glutamic acid, which is acidic and polar, with lysine, which is basic and polar, at codon 326 of the MBD4 protein (p.Glu326Lys). This variant is not present in population databases (gnomAD no frequency). This variant has not been reported in the literature in individuals affected with MBD4-related conditions. An algorithm developed to predict the effect of missense changes on protein structure and function (PolyPhen-2) suggests that this variant is likely to be tolerated. In summary, the available evidence is currently insufficient to determine the role of this variant in disease. Therefore, it has been classified as a Variant of Uncertain Significance.

NM_001276270.2(MBD4):c.976G>A (p.Glu326Lys)

Gene: MBD4 (methyl-CpG binding domain 4, DNA glycosylase; minus strand). Cytogenetic location: 3q21.3.
Variant type: single nucleotide variant.
Coding change: c.976G>A on transcript NM_001276270.2 (MANE Select); coding-DNA position 976, G replaced by A.
Protein change: p.Glu326Lys; replaces glutamic acid 326 with lysine.
Molecular consequence: missense variant. On other transcripts: intron variant (1).
Genome position (GRCh38, 1-based): chr3:129,436,668, C>T on the plus strand (G>A on the coding strand, the complement: MBD4 is on the minus strand). VCF-style: chr3-129436668-C-T. GRCh37 (hg19) VCF-style: chr3-129155511-C-T.
Other names: c.976G>A, p.Glu326Lys (NM_001276271.2, NM_001276272.2, NM_003925.3); c.247+1140G>A (NM_001276273.2); short protein forms E326K.
Identifiers: ClinVar variation 4805927 (VCV004805927.1).